The following is an entry in ClinVar:

ClinVar aggregate classification (germline): Likely benign (1 of 4 stars; one submission).

Allele frequency attached by ClinVar (database versions not stated): 1000 Genomes Project 30x 0.00031; 1000 Genomes Project 0.00040.

Submission:

CeGaT Center for Human Genetics Tuebingen
Classification: Likely benign. Last evaluated: 2022-10-01. Review status: criteria provided, single submitter. Criteria: CeGaT Center For Human Genetics Tuebingen Variant Classification Criteria Version 2. Collection method: clinical testing. Allele origin: germline. Affected: yes. Observed: 1 variant allele.
Comment: NCKIPSD: BP4

NM_016453.4(NCKIPSD):c.172-5C>A

Gene: NCKIPSD (NCK interacting protein with SH3 domain; minus strand). Cytogenetic location: 3p21.31.
Variant type: single nucleotide variant.
Coding change: c.172-5C>A on transcript NM_016453.4 (MANE Select); 5 bases into the intron before coding-DNA position 172, C replaced by A.
Molecular consequence: intron variant.
Genome position (GRCh38, 1-based): chr3:48,683,017, G>T on the plus strand (C>A on the coding strand, the complement: NCKIPSD is on the minus strand). VCF-style: chr3-48683017-G-T. GRCh37 (hg19) VCF-style: chr3-48720450-G-T.
Other names: c.172-5C>A (NM_184231.3).
Identifiers: ClinVar variation 2653805 (VCV002653805.24), dbSNP rs375304871, ClinGen allele CA2386469.